The following is an entry in ClinVar:

NM_207361.6(FREM2):c.2473G>A (p.Val825Met)

Gene: FREM2 (FRAS1 related extracellular matrix 2; plus strand). Cytogenetic location: 13q13.3.
Variant type: single nucleotide variant.
Coding change: c.2473G>A on transcript NM_207361.6 (MANE Select); coding-DNA position 2473, G replaced by A.
Protein change: p.Val825Met; replaces valine 825 with methionine.
Molecular consequence: missense variant.
Genome position (GRCh38, 1-based): chr13:38,689,817, G>A. VCF-style: chr13-38689817-G-A. GRCh37 (hg19) VCF-style: chr13-39263954-G-A.
Other names: short protein forms V825M.
Identifiers: ClinVar variation 1472244 (VCV001472244.5), dbSNP rs757937131, ClinGen allele CA6954619.

ClinVar aggregate classification (germline): Uncertain significance. Review status: criteria provided, multiple submitters, no conflicts (2 of 4 stars). 2 submissions from 2 submitters: Uncertain significance (2). Last evaluated 2025-07-10.

Conditions:
Fraser syndrome 2 (FRASRS2). Identifiers: MedGen C4540036, MONDO:0054738, OMIM 617666.
Isolated cryptophthalmia. Also called: Cryptophthalmos, unilateral or bilateral, isolated; ANKYLOBLEPHARON, SIMPLE. Identifiers: Orphanet 91396, MedGen C1852453, MONDO:0007410, OMIM 123570.

Allele frequency attached by ClinVar (database versions not stated): gnomAD 0.00002; TOPMed 0.00002; ExAC 0.00003.
gnomAD v4.1: 27 of 1,613,942 alleles (0.0017%); highest among the groups gnomAD compares: Admixed American, 0.015%; no homozygotes.

Submissions (2):

Labcorp Genetics (formerly Invitae), Labcorp
Classification: Uncertain significance. Last evaluated: 2025-07-10. Review status: criteria provided, single submitter. Criteria: Invitae Variant Classification Sherloc (09022015). Collection method: clinical testing. Allele origin: germline.
Comment: This sequence change replaces valine, which is neutral and non-polar, with methionine, which is neutral and non-polar, at codon 825 of the FREM2 protein (p.Val825Met). This variant is present in population databases (rs757937131, gnomAD 0.01%). This variant has not been reported in the literature in individuals affected with FREM2-related conditions. ClinVar contains an entry for this variant (Variation ID: 1472244). Invitae Evidence Modeling of protein sequence and biophysical properties (such as structural, functional, and spatial information, amino acid conservation, physicochemical variation, residue mobility, and thermodynamic stability) indicates that this missense variant is not expected to disrupt FREM2 protein function with a negative predictive value of 80%. In summary, the available evidence is currently insufficient to determine the role of this variant in disease. Therefore, it has been classified as a Variant of Uncertain Significance.

Fulgent Genetics
Classification: Uncertain significance for Isolated cryptophthalmia; Fraser syndrome 2. Last evaluated: 2021-09-30. Review status: criteria provided, single submitter. Criteria: ACMG Guidelines, 2015. Collection method: clinical testing. Allele origin: unknown.